The following is an entry in ClinVar:

ClinVar aggregate classification (germline): Uncertain significance (1 of 4 stars; one submission).

Submission:

GeneDx
Classification: Uncertain significance. Last evaluated: 2023-01-30. Review status: criteria provided, single submitter. Criteria: GeneDx Variant Classification Process June 2021. Collection method: clinical testing. Allele origin: germline. Affected: yes.
Comment: Not observed at significant frequency in large population cohorts (gnomAD); In silico analysis supports that this missense variant has a deleterious effect on protein structure/function; Has not been previously published as pathogenic or benign to our knowledge

NM_001020658.2(PUM1):c.3422T>C (p.Ile1141Thr)

Gene: PUM1 (pumilio RNA binding family member 1; minus strand). Cytogenetic location: 1p35.2.
Variant type: single nucleotide variant.
Coding change: c.3422T>C on transcript NM_001020658.2 (MANE Select); coding-DNA position 3422, T replaced by C.
Protein change: p.Ile1141Thr; replaces isoleucine 1141 with threonine.
Molecular consequence: missense variant.
Genome position (GRCh38, 1-based): chr1:30,936,656, A>G on the plus strand (T>C on the coding strand, the complement: PUM1 is on the minus strand). VCF-style: chr1-30936656-A-G. GRCh37 (hg19) VCF-style: chr1-31409503-A-G.
Other names: c.3416T>C, p.Ile1139Thr (NM_014676.3); short protein forms I1139T, I1141T.
Identifiers: ClinVar variation 2574463 (VCV002574463.1), dbSNP rs2521276761, ClinGen allele CA339560065.